The following is an entry in ClinVar:

ClinVar aggregate classification (germline): Uncertain significance (1 of 4 stars; one submission).

Conditions:
Muscular dystrophy-dystroglycanopathy (congenital with brain and eye anomalies), type a, 8 (MDDGA8). Also called: WALKER-WARBURG SYNDROME OR MUSCLE-EYE-BRAIN DISEASE, GTDC2-RELATED. Identifiers: Orphanet 899, MedGen C3553813, MONDO:0013904, OMIM 614830.

Allele frequency attached by ClinVar (database versions not stated): gnomAD exomes below 0.00001; ExAC 0.00001.

Submission:

Labcorp Genetics (formerly Invitae), Labcorp
Classification: Uncertain significance for Muscular dystrophy-dystroglycanopathy (congenital with brain and eye anomalies), type a, 8. Last evaluated: 2019-08-09. Review status: criteria provided, single submitter. Criteria: Invitae Variant Classification Sherloc (09022015). Collection method: clinical testing. Allele origin: germline.
Comment: This sequence change replaces leucine with proline at codon 380 of the POMGNT2 protein (p.Leu380Pro). The leucine residue is highly conserved and there is a moderate physicochemical difference between leucine and proline. This variant is present in population databases (rs750946944, ExAC 0.009%). This variant has not been reported in the literature in individuals with POMGNT2-related conditions. Algorithms developed to predict the effect of missense changes on protein structure and function are either unavailable or do not agree on the potential impact of this missense change (SIFT: "Deleterious"; PolyPhen-2: "Probably Damaging"; Align-GVGD: "Class C0"). In summary, the available evidence is currently insufficient to determine the role of this variant in disease. Therefore, it has been classified as a Variant of Uncertain Significance.

NM_032806.6(POMGNT2):c.1139T>C (p.Leu380Pro)

Gene: POMGNT2 (protein O-linked mannose N-acetylglucosaminyltransferase 2 (beta 1,4-); minus strand). Cytogenetic location: 3p22.1.
Variant type: single nucleotide variant.
Coding change: c.1139T>C on transcript NM_032806.6 (MANE Select); coding-DNA position 1139, T replaced by C.
Protein change: p.Leu380Pro; replaces leucine 380 with proline.
Molecular consequence: missense variant.
Genome position (GRCh38, 1-based): chr3:43,080,293, A>G on the plus strand (T>C on the coding strand, the complement: POMGNT2 is on the minus strand). VCF-style: chr3-43080293-A-G. GRCh37 (hg19) VCF-style: chr3-43121785-A-G.
Other names: short protein forms L380P.
Identifiers: ClinVar variation 933873 (VCV000933873.6), dbSNP rs750946944, ClinGen allele CA2339918.